The following is an entry in ClinVar:

ClinVar aggregate classification (germline): Uncertain significance. Review status: criteria provided, multiple submitters, no conflicts (2 of 4 stars). 4 submissions from 4 submitters: Uncertain significance (4). Last evaluated 2025-08-21.

Conditions:
Dilated cardiomyopathy 1GG (CMD1GG). Identifiers: Orphanet 154, MedGen C3150898, MONDO:0013339, OMIM 613642.
Neurodegeneration with ataxia and late-onset optic atrophy. Identifiers: MedGen C5543254, MONDO:0031006, OMIM 619259.
Mitochondrial complex II deficiency, nuclear type 1. Also called: SUCCINATE CoQ REDUCTASE DEFICIENCY. Identifiers: Orphanet 3208, MedGen C5700310, MONDO:0100294, OMIM 252011.
Pheochromocytoma/paraganglioma syndrome 5. Also called: Paragangliomas 5; SDHA-Related Hereditary Paraganglioma-Pheochromocytoma Syndrome. Identifiers: Orphanet 29072, MedGen C3279992, MONDO:0013602, OMIM 614165.
Hereditary cancer-predisposing syndrome. Also called: Neoplastic Syndromes, Hereditary; Tumor predisposition; Hereditary neoplastic syndrome; Hereditary Cancer Syndrome. Identifiers: Orphanet 140162, MedGen C0027672, MeSH D009386, MONDO:0015356.

Submissions (4):

Labcorp Genetics (formerly Invitae), Labcorp
Classification: Uncertain significance for Pheochromocytoma/paraganglioma syndrome 5; Mitochondrial complex II deficiency, nuclear type 1. Last evaluated: 2025-08-21. Review status: criteria provided, single submitter. Criteria: Invitae Variant Classification Sherloc (09022015). Collection method: clinical testing. Allele origin: germline.
Comment: This sequence change replaces lysine, which is basic and polar, with arginine, which is basic and polar, at codon 598 of the SDHA protein (p.Lys598Arg). This variant is not present in population databases (gnomAD no frequency). This variant has not been reported in the literature in individuals affected with SDHA-related conditions. ClinVar contains an entry for this variant (Variation ID: 641736). An algorithm developed to predict the effect of missense changes on protein structure and function outputs the following: PolyPhen-2: "Benign". The arginine amino acid residue is found in multiple mammalian species, which suggests that this missense change does not adversely affect protein function. Algorithms developed to predict the effect of sequence changes on RNA splicing suggest that this variant may disrupt the consensus splice site. In summary, the available evidence is currently insufficient to determine the role of this variant in disease. Therefore, it has been classified as a Variant of Uncertain Significance.

Fulgent Genetics
Classification: Uncertain significance for Mitochondrial complex II deficiency, nuclear type 1; Dilated cardiomyopathy 1GG; Pheochromocytoma/paraganglioma syndrome 5; Neurodegeneration with ataxia and late-onset optic atrophy. Last evaluated: 2024-03-19. Review status: criteria provided, single submitter. Criteria: ACMG Guidelines, 2015. Collection method: clinical testing. Allele origin: germline.

Sema4
Classification: Uncertain significance for Hereditary cancer-predisposing syndrome. Last evaluated: 2021-08-03. Review status: criteria provided, single submitter. Criteria: Sema4 Curation Guidelines. Collection method: curation. Allele origin: germline.
Comment: The SDHA c.1793A>G (p.K598R) variant has not been reported in literature to our knowledge. This variant was not observed in the large and broad cohorts of the Genome Aggregation Database (PMID: 32461654). This variant has been reported in ClinVar (Variation ID 641736). In silico tools suggest the impact of the variant on protein function is deleterious, though these predictions have not been confirmed by functional studies. In addition, splice site prediction tools suggest the variant may disrupt normal splicing, however these predictions have not been confirmed by published transcriptional studies. The overall evidence is insufficient to meet ACMG/AMP criteria for classifying it as benign or pathogenic. In summary, the clinical significance of this variant is currently uncertain.

Ambry Genetics
Classification: Uncertain significance for Hereditary cancer-predisposing syndrome. Last evaluated: 2021-05-26. Review status: criteria provided, single submitter. Criteria: Ambry Variant Classification Scheme 2023. Collection method: clinical testing. Allele origin: germline.
Comment: The p.K598R variant (also known as c.1793A>G), located in coding exon 13 of the SDHA gene, results from an A to G substitution at nucleotide position 1793. The lysine at codon 598 is replaced by arginine, an amino acid with highly similar properties. This amino acid position is highly conserved in available vertebrate species. In addition, the in silico prediction for this alteration is inconclusive. Since supporting evidence is limited at this time, the clinical significance of this alteration remains unclear.

NM_004168.4(SDHA):c.1793A>G (p.Lys598Arg)

Gene: SDHA (succinate dehydrogenase complex flavoprotein subunit A; plus strand). Cytogenetic location: 5p15.33.
Variant type: single nucleotide variant.
Coding change: c.1793A>G on transcript NM_004168.4 (MANE Select); coding-DNA position 1793, A replaced by G.
Protein change: p.Lys598Arg; replaces lysine 598 with arginine.
Molecular consequence: missense variant. On other transcripts: intron variant (1).
Genome position (GRCh38, 1-based): chr5:251,467, A>G. VCF-style: chr5-251467-A-G. GRCh37 (hg19) VCF-style: chr5-251582-A-G.
Other names: c.1649A>G, p.Lys550Arg (NM_001294332.2); c.1552-2926A>G (NM_001330758.2); short protein forms K550R, K598R.
Identifiers: ClinVar variation 641736 (VCV000641736.15), dbSNP rs1579439363, ClinGen allele CA359000524.
Genomic context (GRCh38, chr5:251,467, plus strand): 5'-CCATCTACGGAGCAGAGGCACGGAAGGAGTCACGGGGCGCGCATGCCAGGGAAGACTACA[A>G]GGTGGGCCTTCTCACCACGCCCACCTGCACCTGCCTTTTCCTGCCACCTGGTGGGACTCA-3'
Protein context (NP_004159.2, residues 588-608): SRGAHAREDY[Lys598Arg]VRIDEYDYSK